The following is an entry in ClinVar:

NM_001206641.3(COA6):c.212+114G>T

Gene: COA6 (cytochrome c oxidase assembly factor 6; plus strand). Cytogenetic location: 1q42.2.
Variant type: single nucleotide variant.
Coding change: c.212+114G>T on transcript NM_001206641.3 (MANE Select); 114 bases into the intron after coding-DNA position 212, G replaced by T.
Molecular consequence: intron variant. On other transcripts: missense variant (1), 5 prime UTR variant (1).
Genome position (GRCh38, 1-based): chr1:234,373,792, G>T. VCF-style: chr1-234373792-G-T. GRCh37 (hg19) VCF-style: chr1-234509538-G-T.
Other names: c.74G>T, p.Arg25Leu (NM_001012985.2); c.-454G>T (NM_001301733.1); short protein forms R25L.
Identifiers: ClinVar variation 1722934 (VCV001722934.8), dbSNP rs143648286, ClinGen allele CA1460001.

ClinVar aggregate classification (germline): Uncertain significance. Review status: criteria provided, multiple submitters, no conflicts (2 of 4 stars). 2 submissions from 2 submitters: Uncertain significance (2). Last evaluated 2025-07-29.

Conditions:
Inborn genetic diseases. Identifiers: MedGen C0950123, MeSH D030342.

Allele frequency attached by ClinVar (database versions not stated): ExAC 0.00002; gnomAD 0.00002; TOPMed 0.00003; ESP Exome Variant Server 0.00015.
gnomAD v4.1: 74 of 1,613,596 alleles (0.0046%); highest among the groups gnomAD compares: Non-Finnish European, 0.006%; no homozygotes.

Submissions (2):

GeneDx
Classification: Uncertain significance. Last evaluated: 2025-07-29. Review status: criteria provided, single submitter. Criteria: GeneDx Variant Classification Process June 2021. Collection method: clinical testing. Allele origin: germline. Affected: yes.
Comment: Not observed at significant frequency in large population cohorts (gnomAD); In silico analysis suggests that this missense variant does not alter protein structure/function; Has not been previously published as pathogenic or benign to our knowledge

Ambry Genetics
Classification: Uncertain significance for Inborn genetic diseases. Last evaluated: 2024-11-13. Review status: criteria provided, single submitter. Criteria: Ambry Variant Classification Scheme 2023. Collection method: clinical testing. Allele origin: germline.